The following is an entry in ClinVar:

NM_001318510.2(ACSL4):c.590A>G (p.Tyr197Cys)

Gene: ACSL4 (acyl-CoA synthetase long chain family member 4; minus strand). Cytogenetic location: Xq23.
Variant type: single nucleotide variant.
Coding change: c.590A>G on transcript NM_001318510.2 (MANE Select); coding-DNA position 590, A replaced by G.
Protein change: p.Tyr197Cys; replaces tyrosine 197 with cysteine.
Molecular consequence: missense variant.
Genome position (GRCh38, 1-based): chrX:109,681,063, T>C on the plus strand (A>G on the coding strand, the complement: ACSL4 is on the minus strand). VCF-style: chrX-109681063-T-C. GRCh37 (hg19) VCF-style: chrX-108924292-T-C.
Other names: c.713A>G, p.Tyr238Cys (NM_001318509.2, NM_001437245.1, NM_001437247.1 and 2 more transcripts); c.590A>G, p.Tyr197Cys (NM_001437250.1, NM_001437251.1, NM_001437252.1 and 2 more transcripts); short protein forms Y197C, Y238C.
Identifiers: ClinVar variation 4887257 (VCV004887257.1).
Genomic context (GRCh38, chrX:109,681,063, plus strand): 5'-TCTGGGTTAGATCCCAACTCTTCTACTGATTGCATGCTGTGAATCTCAAATCCTTCAGGG[T>C]ACTCTGCTTTATTGATAGCCTTATTGTCCACATAAATGATATGTTTAACACAACTGATAT-3'
Protein context (NP_001305439.1, residues 187-207): VDNKAINKAE[Tyr197Cys]PEGFEIHSMQ

ClinVar aggregate classification (germline): Uncertain significance (1 of 4 stars; one submission).

gnomAD v4.1: 2 of 1,209,185 alleles (0.00017%); highest among the groups gnomAD compares: Admixed American, 0.0043%; no homozygotes.

Submission:

Women's Health and Genetics/Laboratory Corporation of America, LabCorp
Classification: Uncertain significance. Last evaluated: 2026-06-15. Review status: criteria provided, single submitter. Criteria: LabCorp Variant Classification Summary - May 2015. Collection method: clinical testing. Allele origin: germline.
Comment: Variant summary: ACSL4 c.590A>G (p.Tyr197Cys) results in a non-conservative amino acid change in the encoded protein sequence. Algorithms developed to predict the effect of missense changes on protein structure and function are either unavailable or do not agree on the potential impact of this missense change. The variant allele was found at a frequency of 5.5e-06 in 182865 control chromosomes. The available data on variant occurrences in the general population are insufficient to allow any conclusion about variant significance. To our knowledge, no occurrence of c.590A>G in individuals affected with ACSL4-related conditions and no experimental evidence demonstrating its impact on protein function have been reported. No submitters have cited clinical-significance assessments for this variant to ClinVar. Based on the evidence outlined above, the variant was classified as uncertain significance.